The following is an entry in ClinVar:

NM_001378183.1(PIEZO2):c.7289G>T (p.Arg2430Leu)

Gene: PIEZO2 (piezo type mechanosensitive ion channel component 2; minus strand). Cytogenetic location: 18p11.22.
Variant type: single nucleotide variant.
Coding change: c.7289G>T on transcript NM_001378183.1 (MANE Select); coding-DNA position 7289, G replaced by T.
Protein change: p.Arg2430Leu; replaces arginine 2430 with leucine.
Molecular consequence: missense variant.
Genome position (GRCh38, 1-based): chr18:10,691,285, C>A on the plus strand (G>T on the coding strand, the complement: PIEZO2 is on the minus strand). VCF-style: chr18-10691285-C-A. GRCh37 (hg19) VCF-style: chr18-10691283-C-A.
Other names: c.7025G>T, p.Arg2342Leu (NM_001410871.1); c.6950G>T, p.Arg2317Leu (NM_022068.4); short protein forms R2317L, R2342L, R2430L.
Identifiers: ClinVar variation 4861839 (VCV004861839.1).

ClinVar aggregate classification (germline): Uncertain significance (1 of 4 stars; one submission).

Conditions:
Inborn genetic diseases. Identifiers: MedGen C0950123, MeSH D030342.

Submission:

Ambry Genetics
Classification: Uncertain significance for Inborn genetic diseases. Last evaluated: 2026-04-11. Review status: criteria provided, single submitter. Criteria: Ambry Variant Classification Scheme 2023. Collection method: clinical testing. Allele origin: germline.
Comment: The c.6950G>T (p.R2317L) alteration is located in exon 44 (coding exon 44) of the PIEZO2 gene. This alteration results from a G to T substitution at nucleotide position 6950, causing the arginine (R) at amino acid position 2317 to be replaced by a leucine (L). Based on data from gnomAD, the T allele has an overall frequency of <0.001% (0/251200) total alleles studied. The highest observed frequency was <0.001% (/) of alleles. Based on insufficient or conflicting evidence, the clinical significance of this alteration remains unclear.